The following is an entry in ClinVar:

NC_000003.11:g.(?_38949420)_(38968442_?)del

Gene: SCN11A (sodium voltage-gated channel alpha subunit 11; minus strand). Cytogenetic location: 3p22.2.
Variant type: Deletion.
Identifiers: ClinVar variation 1411780 (VCV001411780.7).

ClinVar aggregate classification (germline): Uncertain significance (1 of 4 stars; one submission).

Conditions:
Hereditary sensory and autonomic neuropathy type 7. Also called: Neuropathy, hereditary sensory and autonomic, type VII; HSAN VII. Identifiers: Orphanet 391397, MedGen C3809882, MONDO:0014244, OMIM 615548.
Familial episodic pain syndrome with predominantly lower limb involvement. Also called: Episodic pain syndrome, familial, 3. Identifiers: Orphanet 391384, Orphanet 391392, MedGen C3809899, MONDO:0014247, OMIM 615552.

Submission:

Labcorp Genetics (formerly Invitae), Labcorp
Classification: Uncertain significance for Familial episodic pain syndrome with predominantly lower limb involvement; Hereditary sensory and autonomic neuropathy type 7. Last evaluated: 2022-08-23. Review status: criteria provided, single submitter. Criteria: Invitae Variant Classification Sherloc (09022015). Collection method: clinical testing. Allele origin: germline.
Comment: In summary, the available evidence is currently insufficient to determine the role of this variant in disease. Therefore, it has been classified as a Variant of Uncertain Significance. This variant has not been reported in the literature in individuals affected with SCN11A-related conditions. This variant is a gross deletion of the genomic region encompassing exon(s) 4-10 of the SCN11A gene. This deletion is out-of-frame, and is expected to create a premature translational stop signal and result in an absent or disrupted protein product. However, the current clinical and genetic evidence is not sufficient to establish whether loss-of-function variants in SCN11A cause disease.